The following is an entry in ClinVar:

ClinVar aggregate classification (germline): Uncertain significance. Review status: criteria provided, multiple submitters, no conflicts (2 of 4 stars). 3 submissions from 3 submitters: Uncertain significance (3). Last evaluated 2023-10-30.

Conditions:
Hereditary nonpolyposis colorectal neoplasms. Identifiers: MedGen C0009405, MeSH D003123.
Hereditary cancer-predisposing syndrome. Also called: Hereditary Cancer Syndrome; Neoplastic Syndromes, Hereditary; Hereditary neoplastic syndrome; Tumor predisposition. Identifiers: Orphanet 140162, MedGen C0027672, MeSH D009386, MONDO:0015356.

Submissions (3):

GeneDx
Classification: Uncertain significance. Last evaluated: 2023-10-30. Review status: criteria provided, single submitter. Criteria: GeneDx Variant Classification Process June 2021. Collection method: clinical testing. Allele origin: germline. Affected: yes.
Comment: Not observed at significant frequency in large population cohorts (gnomAD); In silico analysis supports that this missense variant has a deleterious effect on protein structure/function; Has not been previously published as pathogenic or benign to our knowledge; This variant is associated with the following publications: (PMID: 17531815, 21120944, 12019211)

Ambry Genetics
Classification: Uncertain significance for Hereditary cancer-predisposing syndrome. Last evaluated: 2023-10-06. Review status: criteria provided, single submitter. Criteria: Ambry Variant Classification Scheme 2023. Collection method: clinical testing. Allele origin: germline.
Comment: The p.A1147D variant (also known as c.3440C>A), located in coding exon 6 of the MSH6 gene, results from a C to A substitution at nucleotide position 3440. The alanine at codon 1147 is replaced by aspartic acid, an amino acid with dissimilar properties. This amino acid position is well conserved in available vertebrate species. In addition, this alteration is predicted to be deleterious by in silico analysis. Since supporting evidence is limited at this time, the clinical significance of this alteration remains unclear.

Labcorp Genetics (formerly Invitae), Labcorp
Classification: Uncertain significance for Hereditary nonpolyposis colorectal neoplasms. Last evaluated: 2023-08-18. Review status: criteria provided, single submitter. Criteria: Invitae Variant Classification Sherloc (09022015). Collection method: clinical testing. Allele origin: germline.
Comment: This variant is not present in population databases (gnomAD no frequency). This sequence change replaces alanine, which is neutral and non-polar, with aspartic acid, which is acidic and polar, at codon 1147 of the MSH6 protein (p.Ala1147Asp). This variant has not been reported in the literature in individuals affected with MSH6-related conditions. ClinVar contains an entry for this variant (Variation ID: 428324). An algorithm developed to predict the effect of missense changes on protein structure and function (PolyPhen-2) suggests that this variant is likely to be disruptive. In summary, the available evidence is currently insufficient to determine the role of this variant in disease. Therefore, it has been classified as a Variant of Uncertain Significance.

NM_000179.3(MSH6):c.3440C>A (p.Ala1147Asp)

Gene: MSH6 (mutS homolog 6; plus strand). Cytogenetic location: 2p16.3.
Variant type: single nucleotide variant.
Coding change: c.3440C>A on transcript NM_000179.3 (MANE Select); coding-DNA position 3440, C replaced by A.
Protein change: p.Ala1147Asp; replaces alanine 1147 with aspartic acid.
Molecular consequence: missense variant.
Genome position (GRCh38, 1-based): chr2:47,804,911, C>A. VCF-style: chr2-47804911-C-A. GRCh37 (hg19) VCF-style: chr2-48032050-C-A.
Other names: c.3050C>A, p.Ala1017Asp (NM_001281492.2); c.2534C>A, p.Ala845Asp (NM_001281493.2, NM_001281494.2); short protein forms A1147D, A845D, A1017D.
Identifiers: ClinVar variation 428324 (VCV000428324.16), dbSNP rs876659975, ClinGen allele CA346759923.